The following is an entry in ClinVar:

NM_001379500.1(COL18A1):c.2246C>T (p.Ser749Phe)

Gene: COL18A1 (collagen type XVIII alpha 1 chain; plus strand). Cytogenetic location: 21q22.3.
Variant type: single nucleotide variant.
Coding change: c.2246C>T on transcript NM_001379500.1 (MANE Select); coding-DNA position 2246, C replaced by T.
Protein change: p.Ser749Phe; replaces serine 749 with phenylalanine.
Molecular consequence: missense variant.
Genome position (GRCh38, 1-based): chr21:45,493,194, C>T. VCF-style: chr21-45493194-C-T. GRCh37 (hg19) VCF-style: chr21-46913108-C-T.
Other names: c.2786C>T, p.Ser929Phe (NM_030582.4); c.3491C>T, p.Ser1164Phe (NM_130444.3); short protein forms S929F, S1164F, S749F.
Identifiers: ClinVar variation 4984294 (VCV004984294.1).

ClinVar aggregate classification (germline): Uncertain significance (1 of 4 stars; one submission).

Conditions:
COL18A1-related disorder. Also called: COL18A1-related condition; COL18A1-related disorders.

gnomAD v4.1: 5 of 1,563,282 alleles (0.00032%); highest among the groups gnomAD compares: Non-Finnish European, 0.00043%; no homozygotes.

Submission:

PreventionGenetics, part of Exact Sciences
Classification: Uncertain significance for COL18A1-related condition. Last evaluated: 2025-01-05. Review status: criteria provided, single submitter. Criteria: ACMG Guidelines, 2015. Collection method: clinical testing. Allele origin: germline.
Comment: The COL18A1 c.2786C>T variant is predicted to result in the amino acid substitution p.Ser929Phe. To our knowledge, this variant has not been reported in the literature or in a large population database (gnomAD), indicating this variant is rare. At this time, the clinical significance of this variant is uncertain due to the absence of conclusive functional and genetic evidence.